The following is an entry in ClinVar:

ClinVar aggregate classification (germline): Likely pathogenic (1 of 4 stars; one submission).

Conditions:
Combined oxidative phosphorylation deficiency 37 (COXPD37). Identifiers: MedGen C5193031, MONDO:0032679, OMIM 618329.

Submission:

Laboratorio de Genetica e Diagnostico Molecular, Hospital Israelita Albert Einstein
Classification: Likely pathogenic for Combined oxidative phosphorylation deficiency 37. Last evaluated: 2025-09-08. Review status: criteria provided, single submitter. Criteria: ACMG Guidelines, 2015. Collection method: clinical testing. Allele origin: germline. Affected: yes.
Comment: ACMG classification criteria: PVS1 very strong, PM2 supporting

NM_205767.3(MICOS13):c.169C>T (p.Gln57Ter)

Genes: MICOS13 (mitochondrial contact site and cristae organizing system subunit 13; minus strand), LOC130063256 (ATAC-STARR-seq lymphoblastoid active region 13805; plus strand). Cytogenetic location: 19p13.3.
Variant type: single nucleotide variant.
Coding change: c.169C>T on transcript NM_205767.3 (MANE Select); coding-DNA position 169, C replaced by T.
Protein change: p.Gln57Ter; replaces glutamine 57 with a stop codon.
Molecular consequence: nonsense.
Genome position (GRCh38, 1-based): chr19:5,679,624, G>A on the plus strand (C>T on the coding strand, the complement: MICOS13 is on the minus strand). VCF-style: chr19-5679624-G-A. GRCh37 (hg19) VCF-style: chr19-5679635-G-A.
Other names: c.235C>T, p.Gln79Ter (NM_001308240.2, NM_001365761.2); short protein forms Q57*, Q79*.
Identifiers: ClinVar variation 4846855 (VCV004846855.1).
Genomic context (GRCh38, chr19:5,679,624, plus strand): 5'-CCTCGTTCCCGGCCCGTAGTACCTGGGGTATCTGCAGGCCTGTCTGCTGACACACGTACT[G>A]GCTGAACTGGTACATGGCGGGGGGGACCACCTCCCCAGCCTTCTGTAGGGCTGCCTGGCT-3'